The following is an entry in ClinVar:

NM_182961.4(SYNE1):c.994A>T (p.Arg332Ter)

Gene: SYNE1 (spectrin repeat containing nuclear envelope protein 1; minus strand). Cytogenetic location: 6q25.2.
Variant type: single nucleotide variant.
Coding change: c.994A>T on transcript NM_182961.4 (MANE Select); coding-DNA position 994, A replaced by T.
Protein change: p.Arg332Ter; replaces arginine 332 with a stop codon.
Molecular consequence: nonsense.
Genome position (GRCh38, 1-based): chr6:152,488,449, T>A on the plus strand (A>T on the coding strand, the complement: SYNE1 is on the minus strand). VCF-style: chr6-152488449-T-A. GRCh37 (hg19) VCF-style: chr6-152809584-T-A.
Other names: c.1015A>T, p.Arg339Ter (NM_033071.5); short protein forms R332*, R339*.
Identifiers: ClinVar variation 618409 (VCV000618409.8), dbSNP rs1564400585, ClinGen allele CA366144400.

ClinVar aggregate classification (germline): Likely pathogenic (1 of 4 stars; one submission).

Submission:

ARUP Laboratories, Molecular Genetics and Genomics, ARUP Laboratories
Classification: Likely pathogenic. Last evaluated: 2018-01-04. Review status: criteria provided, single submitter. Criteria: ARUP Molecular Germline Variant Investigation Process. Collection method: clinical testing. Allele origin: germline.
Comment: The SYNE1 c.994A>T; p.Arg332Ter variant, to our knowledge, is not reported in the medical literature, gene specific variation databases, nor has it been previously identified by our laboratory. This variant is also absent from the general population databases (1000 Genomes Project, Exome Variant Server, Genome Aggregation Database). The c.994A>T variant creates a premature stop codon in the SYNE1 protein at codon 332 in exon 6 which is predicted to result in a truncated or absent protein product. Pathogenic variants in the SYNE1 gene are associated with autosomal dominant Emery-Dreifuss muscular dystrophy 4 (EDMD4; MIM: 612998) and autosomal recessive spinocerebellar ataxia 8 (MIM: 610743), and at least one SYNE1 variant has been associated with cardiomyopathy without skeletal muscle involvement (Puckelwartz 2010). Although one other truncating variant in this gene (p.Lys467Ter) has been observed in an individual included in a cohort of patients with a clinical diagnosis of neuromuscular disease (Tian 2015), loss-of-function variation in SYNE1 has not been clearly established as a mechanism of disease for EDMD4. Based on the available evidence, the c.994A>T; However, it is unknown at this time if the patient is at risk for EDMD4.